The following is an entry in ClinVar:

NM_020461.4(TUBGCP6):c.1252G>A (p.Val418Ile)

Gene: TUBGCP6 (tubulin gamma complex component 6; minus strand). Cytogenetic location: 22q13.33.
Variant type: single nucleotide variant.
Coding change: c.1252G>A on transcript NM_020461.4 (MANE Select); coding-DNA position 1252, G replaced by A.
Protein change: p.Val418Ile; replaces valine 418 with isoleucine.
Molecular consequence: missense variant.
Genome position (GRCh38, 1-based): chr22:50,229,442, C>T on the plus strand (G>A on the coding strand, the complement: TUBGCP6 is on the minus strand). VCF-style: chr22-50229442-C-T. GRCh37 (hg19) VCF-style: chr22-50667871-C-T.
Other names: short protein forms V418I.
Identifiers: ClinVar variation 837611 (VCV000837611.7), dbSNP rs373896485, ClinGen allele CA325469557.

ClinVar aggregate classification (germline): Uncertain significance (1 of 4 stars; one submission).

Allele frequency attached by ClinVar (database versions not stated): TOPMed 0.00001; gnomAD exomes 0.00002.
gnomAD v4.1: 5 of 1,613,386 alleles (0.00031%); highest among the groups gnomAD compares: East Asian, 0.0067%; no homozygotes.

Submission:

Labcorp Genetics (formerly Invitae), Labcorp
Classification: Uncertain significance. Last evaluated: 2021-08-30. Review status: criteria provided, single submitter. Criteria: Invitae Variant Classification Sherloc (09022015). Collection method: clinical testing. Allele origin: germline.
Comment: This sequence change replaces valine with isoleucine at codon 418 of the TUBGCP6 protein (p.Val418Ile). The valine residue is weakly conserved and there is a small physicochemical difference between valine and isoleucine. This variant is not present in population databases (ExAC no frequency). This variant has not been reported in the literature in individuals affected with TUBGCP6-related conditions. Algorithms developed to predict the effect of missense changes on protein structure and function (SIFT, PolyPhen-2, Align-GVGD) all suggest that this variant is likely to be tolerated. In summary, the available evidence is currently insufficient to determine the role of this variant in disease. Therefore, it has been classified as a Variant of Uncertain Significance.